The following is an entry in ClinVar:

NM_000069.3(CACNA1S):c.2907-8T>C

Gene: CACNA1S (calcium voltage-gated channel subunit alpha1 S; minus strand). Cytogenetic location: 1q32.1.
Variant type: single nucleotide variant.
Coding change: c.2907-8T>C on transcript NM_000069.3 (MANE Select); 8 bases into the intron before coding-DNA position 2907, T replaced by C.
Molecular consequence: intron variant.
Genome position (GRCh38, 1-based): chr1:201,062,098, A>G on the plus strand (T>C on the coding strand, the complement: CACNA1S is on the minus strand). VCF-style: chr1-201062098-A-G. GRCh37 (hg19) VCF-style: chr1-201031226-A-G.
Identifiers: ClinVar variation 3073168 (VCV003073168.1), dbSNP rs2464501903, ClinGen allele CA2825000903.
Genomic context (GRCh38, chr1:201,062,098, plus strand): 5'-GACGCAGCTCTATCTGCATGGGGTCCCCGTCCTTGTACACGTAGTAGTAGCCCCTGTGGC[A>G]GGGAGGCCCAGTCACTCCACAGGGCATGGCTGGGCTGCCTTGCCCCACCCACATCCTCTG-3'

ClinVar aggregate classification (germline): Likely benign (1 of 4 stars; one submission).

Conditions:
Malignant hyperthermia, susceptibility to, 5 (MHS5). Also called: CACNA1S-Related Malignant Hyperthermia Susceptibility. Identifiers: Orphanet 423, MedGen C1866077, MONDO:0011163, OMIM 601887.

Submission:

All of Us Research Program, National Institutes of Health
Classification: Likely benign for Malignant hyperthermia, susceptibility to, 5. Last evaluated: 2023-08-28. Review status: criteria provided, single submitter. Criteria: ACMG Guidelines, 2015. Collection method: clinical testing. Allele origin: germline. Inheritance: Autosomal dominant inheritance. Observed: 1 variant allele, 1 heterozygote.
Comment: This study involves interpretation of variants in research participants for the purpose of population health screening. Participant phenotype was not available at the time of variant classification. Additional details can be found in publication PMID: 35346344, PMCID: PMC8962531